The following is an entry in ClinVar:

ClinVar aggregate classification (germline): Uncertain significance (1 of 4 stars; one submission).

Submission:

Labcorp Genetics (formerly Invitae), Labcorp
Classification: Uncertain significance. Last evaluated: 2022-07-23. Review status: criteria provided, single submitter. Criteria: Invitae Variant Classification Sherloc (09022015). Collection method: clinical testing. Allele origin: germline.
Comment: This variant has not been reported in the literature in individuals affected with CPLANE1-related conditions. This variant is not present in population databases (gnomAD no frequency). This sequence change replaces alanine, which is neutral and non-polar, with valine, which is neutral and non-polar, at codon 3176 of the CPLANE1 protein (p.Ala3176Val). Advanced modeling of protein sequence and biophysical properties (such as structural, functional, and spatial information, amino acid conservation, physicochemical variation, residue mobility, and thermodynamic stability) performed at Invitae indicates that this missense variant is not expected to disrupt CPLANE1 protein function. In summary, the available evidence is currently insufficient to determine the role of this variant in disease. Therefore, it has been classified as a Variant of Uncertain Significance.

NM_001384732.1(CPLANE1):c.9689C>T (p.Ala3230Val)

Gene: CPLANE1 (ciliogenesis and planar polarity effector complex subunit 1; minus strand). Cytogenetic location: 5p13.2.
Variant type: single nucleotide variant.
Coding change: c.9689C>T on transcript NM_001384732.1 (MANE Select); coding-DNA position 9689, C replaced by T.
Protein change: p.Ala3230Val; replaces alanine 3230 with valine.
Molecular consequence: missense variant.
Genome position (GRCh38, 1-based): chr5:37,107,669, G>A on the plus strand (C>T on the coding strand, the complement: CPLANE1 is on the minus strand). VCF-style: chr5-37107669-G-A. GRCh37 (hg19) VCF-style: chr5-37107771-G-A.
Other names: c.9527C>T, p.Ala3176Val (NM_023073.4); short protein forms A3176V, A3230V.
Identifiers: ClinVar variation 2019306 (VCV002019306.4), dbSNP rs2546332865, ClinGen allele CA359488439.